The following is an entry in ClinVar:

NM_006348.5(COG5):c.1252del (p.Asp418fs)

Gene: COG5 (component of oligomeric golgi complex 5; minus strand). Cytogenetic location: 7q22.3.
Variant type: Deletion.
Coding change: c.1252del on transcript NM_006348.5 (MANE Select); coding-DNA position 1252, one base deleted (G; older notation c.1252delG).
Protein change: p.Asp418fs; shifts the reading frame from aspartic acid 418.
Molecular consequence: frameshift variant.
Genome position (GRCh38, 1-based): chr7:107,298,203, C deleted on the plus strand (G on the coding strand, the reverse complement: COG5 is on the minus strand). VCF-style (leftmost placement, unchanged base first): chr7-107298202-TC-T. GRCh37 (hg19) VCF-style: chr7-106938647-TC-T.
Other names: c.1252del, p.Asp418fs (NM_181733.4, NM_001161520.2, NM_001379511.1 and 3 more transcripts); c.1252delG (NM_006348.5); c.682del, p.Asp228fs (NM_001379515.1); c.538del, p.Asp180fs (NM_001379516.1); short protein forms D180fs, D228fs, D418fs.
Identifiers: ClinVar variation 3233902 (VCV003233902.2), dbSNP rs2536186153, ClinGen allele CA2825001507.

ClinVar aggregate classification (germline): Pathogenic (1 of 4 stars; one submission).

Conditions:
COG5-congenital disorder of glycosylation. Also called: CONGENITAL DISORDER OF GLYCOSYLATION, TYPE IIi; CDG IIi; COG5-CDG. Identifiers: Orphanet 263487, MedGen C3150876, MONDO:0013325, OMIM 613612.

Submission:

Women's Health and Genetics/Laboratory Corporation of America, LabCorp
Classification: Pathogenic for COG5-congenital disorder of glycosylation. Last evaluated: 2024-03-18. Review status: criteria provided, single submitter. Criteria: LabCorp Variant Classification Summary - May 2015. Collection method: clinical testing. Allele origin: germline.
Comment: Variant summary: COG5 c.1252delG (p.Asp418ThrfsX26) results in a premature termination codon, predicted to cause absence of the protein due to nonsense mediated decay, which is a commonly known mechanism for disease. The variant was absent in 251280 control chromosomes (gnomAD). To our knowledge, no occurrence of c.1252delG in individuals affected with Congenital Disorder Of Glycosylation, Type 2i and no experimental evidence demonstrating its impact on protein function have been reported. No submitters have cited clinical-significance assessments for this variant to ClinVar. Based on the evidence outlined above, the variant was classified as pathogenic.